The following is an entry in ClinVar:

ClinVar aggregate classification (germline): Benign. Review status: criteria provided, multiple submitters, no conflicts (2 of 4 stars). 3 submissions from 3 submitters: Benign (2). 1 of the submissions does not count toward it. Last evaluated 2026-01-21.

Conditions:
NFATC1-related disorder. Also called: NFATC1-related condition.

Allele frequency attached by ClinVar (database versions not stated): gnomAD exomes 0.00040 and 0.00096; ExAC 0.00117; 1000 Genomes Project 0.00200; 1000 Genomes Project 30x 0.00219; gnomAD 0.00368 and 0.00400; ESP Exome Variant Server 0.00403; TOPMed 0.00436.
gnomAD v4.1: 1,159 of 1,608,666 alleles (0.072%); highest among the groups gnomAD compares: African/African-American, 1.3%; 9 homozygotes.

Submissions (3):

Labcorp Genetics (formerly Invitae), Labcorp
Classification: Benign. Last evaluated: 2026-01-21. Review status: criteria provided, single submitter. Criteria: Invitae Variant Classification Sherloc (09022015). Collection method: clinical testing. Allele origin: germline.

Breakthrough Genomics
Classification: Benign. Review status: criteria provided, single submitter. Criteria: ACMG Guidelines, 2015. Collection method: not provided. Allele origin: germline. Inheritance: Unknown mechanism. Affected: yes.

PreventionGenetics, part of Exact Sciences
Classification: Benign for NFATC1-related condition. Last evaluated: 2019-10-28. Review status: no assertion criteria provided. Collection method: clinical testing. Allele origin: germline. Not counted in ClinVar's aggregate classification.
Comment: This variant is classified as benign based on ACMG/AMP sequence variant interpretation guidelines (Richards et al. 2015 PMID: 25741868, with internal and published modifications).

NM_001278669.2(NFATC1):c.723G>A (p.Ser241=)

Gene: NFATC1 (nuclear factor of activated T cells 1; plus strand). Cytogenetic location: 18q23.
Variant type: single nucleotide variant.
Coding change: c.723G>A on transcript NM_001278669.2 (MANE Select); coding-DNA position 723, G replaced by A.
Protein change: p.Ser241=; no amino-acid change (serine 241 retained).
Molecular consequence: synonymous variant. On other transcripts: intron variant (2).
Genome position (GRCh38, 1-based): chr18:79,410,998, G>A. VCF-style: chr18-79410998-G-A. GRCh37 (hg19) VCF-style: chr18-77170998-G-A.
Other names: c.723G>A, p.Ser241= (NM_001278670.2, NM_006162.5, NM_172390.3); c.684G>A, p.Ser228= (NM_001278672.2, NM_001278675.2, NM_172387.3 and 1 more transcripts); c.-191+14647G>A (NM_172388.3); c.-191+10519G>A (NM_001278673.2); c.723G>A (NM_001278669.1).
Identifiers: ClinVar variation 718803 (VCV000718803.12), dbSNP rs61731548, ClinGen allele CA9008905.